The following is an entry in ClinVar:

NM_007078.3(LDB3):c.818del (p.Arg273fs)

Gene: LDB3 (LIM domain binding 3; plus strand). Cytogenetic location: 10q23.2.
Variant type: Deletion.
Coding change: c.818del on transcript NM_007078.3 (MANE Select); coding-DNA position 818, one base deleted (G; older notation c.818delG).
Protein change: p.Arg273fs; shifts the reading frame from arginine 273.
Molecular consequence: frameshift variant.
Genome position (GRCh38, 1-based): chr10:86,692,024, G deleted. VCF-style (leftmost placement, unchanged base first): chr10-86692023-CG-C. GRCh37 (hg19) VCF-style: chr10-88451780-CG-C.
Other names: c.818delG (NM_007078.3); c.818del, p.Arg273fs (NM_001368063.1, NM_001368064.1, NM_001368065.1 and 1 more transcripts); c.677del, p.Arg226fs (NM_001368066.1, NM_001368067.1, NM_001368068.1 and 2 more transcripts); c.1022del, p.Arg341fs (NM_001171610.2, NM_001171611.2); short protein forms R226fs, R273fs, R341fs.
Identifiers: ClinVar variation 3907657 (VCV003907657.1).
Genomic context (GRCh38, chr10:86,692,023, plus strand): 5'-CAGAACAAGCCAGAAGATGAGGCTGACGAGTGGGCACGCCGTTCCTCCAACCTGCAGTCT[CG>C]CTCCTTCCGCATCCTGGCCCAGATGACGGGGACAGAATTCAGTGAGTGCAGGCTCTCAGG-3'

ClinVar aggregate classification (germline): Uncertain significance (1 of 4 stars; one submission).

Conditions:
Dilated cardiomyopathy 1C (CMD1C). Also called: CARDIOMYOPATHY, DILATED, 1C, WITH OR WITHOUT LEFT VENTRICULAR NONCOMPACTION; Cardiomyopathy, dilated, 1C, with or without LVNC. Identifiers: Orphanet 154, Orphanet 54260, MedGen C1832244, MONDO:0011094, OMIM 601493.
Myofibrillar myopathy 4. Also called: Zaspopathy (type). Identifiers: Orphanet 98912, MedGen C4721886, MONDO:0012277, OMIM 609452.

Submission:

Institute of Human Genetics, University of Goettingen
Classification: Uncertain significance for Dilated cardiomyopathy 1C; Myofibrillar myopathy 4. Last evaluated: 2025-06-26. Review status: criteria provided, single submitter. Criteria: ACMG Guidelines, 2015. Collection method: clinical testing. Allele origin: germline. Inheritance: Autosomal dominant inheritance.
Comment: The NM_007078.3(LDB3):​c.818delG​(p.Arg273ProfsTer9) variant causes a frameshift change. The variant was absent in control chromosomes in GnomAD project. No clinical diagnostic laboratories have submitted clinical-significance assessments for this variant to ClinVar. ACMG criteria: PM2_sup